The following is an entry in ClinVar:

NM_001127222.2(CACNA1A):c.784+10C>T

Gene: CACNA1A (calcium voltage-gated channel subunit alpha1 A; minus strand). Cytogenetic location: 19p13.13.
Variant type: single nucleotide variant.
Coding change: c.784+10C>T on transcript NM_001127222.2 (MANE Select); 10 bases into the intron after coding-DNA position 784, C replaced by T.
Molecular consequence: intron variant.
Genome position (GRCh38, 1-based): chr19:13,365,307, G>A on the plus strand (C>T on the coding strand, the complement: CACNA1A is on the minus strand). VCF-style: chr19-13365307-G-A. GRCh37 (hg19) VCF-style: chr19-13476121-G-A.
Other names: c.784+10C>T (NM_001127221.2, NM_001174080.2, NM_000068.4 and 2 more transcripts).
Identifiers: ClinVar variation 387880 (VCV000387880.16), dbSNP rs781363787, ClinGen allele CA9240970.

ClinVar aggregate classification (germline): Benign/Likely benign. Review status: criteria provided, multiple submitters, no conflicts (2 of 4 stars). 6 submissions from 6 submitters: Benign (1); Likely benign (4). 1 of the submissions does not count toward it. Last evaluated 2025-12-08.

Conditions:
Episodic ataxia type 2 (EA2). Also called: ACETAZOLAMIDE-RESPONSIVE HEREDITARY PAROXYSMAL CEREBELLAR ATAXIA; ATAXIA, EPISODIC, WITH NYSTAGMUS; ATAXIA, FAMILIAL PAROXYSMAL; CEREBELLAR ATAXIA, PAROXYSMAL, ACETAZOLAMIDE-RESPONSIVE; CEREBELLOPATHY, HEREDITARY PAROXYSMAL; EPISODIC ATAXIA, NYSTAGMUS-ASSOCIATED. Identifiers: Orphanet 97, MedGen C1720416, MONDO:0007163, OMIM 108500.
Developmental and epileptic encephalopathy, 42 (DEE42A). Also called: Epileptic encephalopathy, early infantile, 42; DEVELOPMENTAL AND EPILEPTIC ENCEPHALOPATHY 42A; EPILEPTIC ENCEPHALOPATHY, EARLY INFANTILE, 42A. Identifiers: MedGen C4310716, MONDO:0014917, OMIM 617106.
CACNA1A-related disorder. Also called: CACNA1A-related condition.

Allele frequency attached by ClinVar (database versions not stated): ExAC 0.00015; gnomAD exomes 0.00017 and 0.00024; gnomAD 0.00018; TOPMed 0.00019.
gnomAD v4.1: 376 of 1,607,778 alleles (0.023%); highest among the groups gnomAD compares: Middle Eastern, 0.17%; 2 homozygotes.

Submissions (6):

Labcorp Genetics (formerly Invitae), Labcorp
Classification: Likely benign for Developmental and epileptic encephalopathy, 42; Episodic ataxia type 2. Last evaluated: 2025-12-08. Review status: criteria provided, single submitter. Criteria: Invitae Variant Classification Sherloc (09022015). Collection method: clinical testing. Allele origin: germline.

Blueprint Genetics
Classification: Likely benign. Last evaluated: 2024-10-22. Review status: criteria provided, single submitter. Criteria: ACMG Guidelines, 2015. Collection method: clinical testing. Allele origin: germline.

ARUP Laboratories, Molecular Genetics and Genomics, ARUP Laboratories
Classification: Likely benign. Last evaluated: 2024-10-14. Review status: criteria provided, single submitter. Criteria: ARUP Molecular Germline Variant Investigation Process 2024. Collection method: clinical testing. Allele origin: germline.

Athena Diagnostics
Classification: Benign. Last evaluated: 2024-05-31. Review status: criteria provided, single submitter. Criteria: Athena Diagnostics Criteria. Collection method: clinical testing. Allele origin: unknown.

GeneDx
Classification: Likely benign. Last evaluated: 2017-04-26. Review status: criteria provided, single submitter. Criteria: GeneDx Variant Classification (06012015). Collection method: clinical testing. Allele origin: germline. Affected: yes.
Comment: This variant is considered likely benign or benign based on one or more of the following criteria: it is a conservative change, it occurs at a poorly conserved position in the protein, it is predicted to be benign by multiple in silico algorithms, and/or has population frequency not consistent with disease.

PreventionGenetics, part of Exact Sciences
Classification: Likely benign for CACNA1A-related condition. Last evaluated: 2024-08-02. Review status: no assertion criteria provided. Collection method: clinical testing. Allele origin: germline. Not counted in ClinVar's aggregate classification.
Comment: This variant is classified as likely benign based on ACMG/AMP sequence variant interpretation guidelines (Richards et al. 2015 PMID: 25741868, with internal and published modifications).